The following is an entry in ClinVar:

ClinVar aggregate classification (germline): Conflicting classifications of pathogenicity. Review status: criteria provided, conflicting classifications (1 of 4 stars). 3 submissions from 3 submitters: Uncertain significance (1); Benign (1). 1 of the submissions does not count toward it. Last evaluated 2022-09-01.

Conditions:
DIP2B-related disorder. Also called: DIP2B-related condition.

Allele frequency attached by ClinVar (database versions not stated): 1000 Genomes Project 30x 0.00031; 1000 Genomes Project 0.00040; ESP Exome Variant Server 0.00100; gnomAD exomes 0.00112 and 0.00200; ExAC 0.00116; gnomAD 0.00119 and 0.00124; TOPMed 0.00120.
gnomAD v4.1: 3,080 of 1,614,194 alleles (0.19%); highest among the groups gnomAD compares: Non-Finnish European, 0.25%; 4 homozygotes.

Submissions (3):

CeGaT Center for Human Genetics Tuebingen
Classification: Benign. Last evaluated: 2022-09-01. Review status: criteria provided, single submitter. Criteria: CeGaT Center For Human Genetics Tuebingen Variant Classification Criteria Version 2. Collection method: clinical testing. Allele origin: germline. Affected: yes. Observed: 1 variant allele.
Comment: DIP2B: BS1, BS2

Eurofins Ntd Llc (ga)
Classification: Uncertain significance. Last evaluated: 2016-02-02. Review status: criteria provided, single submitter. Criteria: EGL Classification Definitions 2015. Collection method: clinical testing. Allele origin: germline. Observed: 1 variant allele, 1 heterozygote.

PreventionGenetics, part of Exact Sciences
Classification: Likely benign for DIP2B-related condition. Last evaluated: 2022-03-29. Review status: no assertion criteria provided. Collection method: clinical testing. Allele origin: germline. Not counted in ClinVar's aggregate classification.
Comment: This variant is classified as likely benign based on ACMG/AMP sequence variant interpretation guidelines (Richards et al. 2015 PMID: 25741868, with internal and published modifications).

NM_173602.3(DIP2B):c.2755C>A (p.Gln919Lys)

Gene: DIP2B (DIP2 acetate--CoA ligase B (putative); plus strand). Cytogenetic location: 12q13.12.
Variant type: single nucleotide variant.
Coding change: c.2755C>A on transcript NM_173602.3 (MANE Select); coding-DNA position 2755, C replaced by A.
Protein change: p.Gln919Lys; replaces glutamine 919 with lysine.
Molecular consequence: missense variant.
Genome position (GRCh38, 1-based): chr12:50,714,500, C>A. VCF-style: chr12-50714500-C-A. GRCh37 (hg19) VCF-style: chr12-51108283-C-A.
Other names: c.2755C>A (NM_173602.2); short protein forms Q919K.
Identifiers: ClinVar variation 285890 (VCV000285890.30), dbSNP rs151181050, ClinGen allele CA6564902.